The following is an entry in ClinVar:

ClinVar aggregate classification (germline): Pathogenic (1 of 4 stars; one submission).

Conditions:
Hereditary factor IX deficiency disease (HEMB). Also called: F9 DEFICIENCY; FACTOR IX DEFICIENCY; Christmas Disease; PLASMA THROMBOPLASTIN COMPONENT DEFICIENCY; Hemophilia B. Identifiers: Orphanet 98879, MedGen C0008533, MeSH D002836, MONDO:0010604, OMIM 306900.
Thrombophilia, X-linked, due to factor 9 defect. Identifiers: MedGen C2749016, MONDO:0010432, OMIM 300807.

Submission:

Labcorp Genetics (formerly Invitae), Labcorp
Classification: Pathogenic for Thrombophilia, X-linked, due to factor 9 defect; Hereditary factor IX deficiency disease. Last evaluated: 2023-03-21. Review status: criteria provided, single submitter. Criteria: Invitae Variant Classification Sherloc (09022015). Collection method: clinical testing. Allele origin: germline.
Comment: This sequence change creates a premature translational stop signal (p.Ser365*) in the F9 gene. While this is not anticipated to result in nonsense mediated decay, it is expected to disrupt the last 97 amino acid(s) of the F9 protein. This variant is not present in population databases (gnomAD no frequency). This premature translational stop signal has been observed in individuals with hemophilia B (PMID: 30648777, 34880139). For these reasons, this variant has been classified as Pathogenic.

Literature cited by the submitters: PubMed 30648777; PubMed 34880139.

NM_000133.4(F9):c.1094C>G (p.Ser365Ter)

Gene: F9 (coagulation factor IX; plus strand). Cytogenetic location: Xq27.1.
Variant type: single nucleotide variant.
Coding change: c.1094C>G on transcript NM_000133.4 (MANE Select); coding-DNA position 1094, C replaced by G.
Protein change: p.Ser365Ter; replaces serine 365 with a stop codon.
Molecular consequence: nonsense.
Genome position (GRCh38, 1-based): chrX:139,561,779, C>G. VCF-style: chrX-139561779-C-G. GRCh37 (hg19) VCF-style: chrX-138643938-C-G.
Other names: c.980C>G, p.Ser327Ter (NM_001313913.2); short protein forms S365*, S327*.
Identifiers: ClinVar variation 2931231 (VCV002931231.3), dbSNP rs2520845719, ClinGen allele CA414445862.